The following is an entry in ClinVar:

ClinVar aggregate classification (germline): Conflicting classifications of pathogenicity. Review status: criteria provided, conflicting classifications (1 of 4 stars). 11 submissions from 11 submitters: Uncertain significance (3); Benign (1); Likely benign (7). Last evaluated 2026-06-02.

Conditions:
STK11-related disorder. Also called: STK11-related condition.
Hereditary cancer-predisposing syndrome. Also called: Neoplastic Syndromes, Hereditary; Tumor predisposition; Hereditary neoplastic syndrome; Hereditary Cancer Syndrome. Identifiers: Orphanet 140162, MedGen C0027672, MeSH D009386, MONDO:0015356.
Peutz-Jeghers syndrome (PJS). Also called: Peutz-Jeghers polyposis; Periorificial lentiginosis syndrome; POLYPOSIS, HAMARTOMATOUS INTESTINAL; POLYPS-AND-SPOTS SYNDROME. Identifiers: Orphanet 2869, MedGen C0031269, MeSH D010580, MONDO:0008280, OMIM 175200.

Allele frequency attached by ClinVar (database versions not stated): TOPMed below 0.00001; gnomAD 0.00001.
gnomAD v4.1: 27 of 1,610,410 alleles (0.0017%); highest among the groups gnomAD compares: East Asian, 0.0022%; no homozygotes.

Submissions (11):

PreventionGenetics, part of Exact Sciences
Classification: Likely benign for STK11-related condition. Last evaluated: 2026-06-02. Review status: criteria provided, single submitter. Criteria: ACMG Guidelines, 2015. Collection method: clinical testing. Allele origin: germline.
Comment: This variant is classified as likely benign based on ACMG/AMP sequence variant interpretation guidelines (Richards et al. 2015 PMID: 25741868, with internal and published modifications).

Labcorp Genetics (formerly Invitae), Labcorp
Classification: Likely benign for Peutz-Jeghers syndrome. Last evaluated: 2026-01-11. Review status: criteria provided, single submitter. Criteria: Invitae Variant Classification Sherloc (09022015). Collection method: clinical testing. Allele origin: germline.

Myriad Genetics, Inc.
Classification: Benign for Peutz-Jeghers syndrome. Last evaluated: 2025-03-28. Review status: criteria provided, single submitter. Criteria: Myriad Autosomal Dominant, Autosomal Recessive and X-Linked Classification Criteria (2023). Collection method: clinical testing. Allele origin: unknown.
Comment: This variant is considered benign. This variant is a silent/synonymous amino acid change and it is not expected to impact splicing.

Blueprint Genetics
Classification: Likely benign. Last evaluated: 2023-12-01. Review status: criteria provided, single submitter. Criteria: ACMG Guidelines, 2015. Collection method: clinical testing. Allele origin: germline.

All of Us Research Program, National Institutes of Health
Classification: Likely benign for Peutz-Jeghers syndrome. Last evaluated: 2023-05-08. Review status: criteria provided, single submitter. Criteria: ACMG Guidelines, 2015. Collection method: clinical testing. Allele origin: germline. Inheritance: Autosomal dominant inheritance. Observed: 1 variant allele, 1 heterozygote.
Comment: This study involves interpretation of variants in research participants for the purpose of population health screening. Participant phenotype was not available at the time of variant classification. Additional details can be found in publication PMID: 35346344, PMCID: PMC8962531

Genome-Nilou Lab
Classification: Likely benign for Peutz-Jeghers syndrome. Last evaluated: 2021-07-15. Review status: criteria provided, single submitter. Criteria: ACMG Guidelines, 2015. Collection method: clinical testing. Allele origin: germline. Affected: no.

Sema4
Classification: Uncertain significance for Hereditary cancer-predisposing syndrome. Last evaluated: 2021-05-27. Review status: criteria provided, single submitter. Criteria: Sema4 Curation Guidelines. Collection method: curation. Allele origin: germline.
Comment: The STK11 c.1167C>G (p.A389=) variant has not been reported in the literature to our knowledge. It was observed in 5/20858 chromosomes of the Finnish subpopulation in the large and broad cohorts of the Genome Aggregation Database. The variant has been reported in ClinVar (Variation ID 185703). In silico tools suggest the variant may potentially have an impact on splicing, though these predictions have not been confirmed by functional studies. The evidence is insufficient to meet ACMG/AMP criteria for classifying the variant as benign or pathogenic. Thus, the clinical significance of this variant is currently uncertain.

ARUP Laboratories, Molecular Genetics and Genomics, ARUP Laboratories
Classification: Uncertain significance. Last evaluated: 2018-06-19. Review status: criteria provided, single submitter. Criteria: ARUP Molecular Germline Variant Investigation Process. Collection method: clinical testing. Allele origin: germline.
Comment: The STK11 c.1167C>G; p.Ala389Ala variant (rs547919101), to our knowledge, is not reported in the medical literature but is reported in ClinVar (Variation ID: 185703). This variant is found in the general population with an overall allele frequency of 0.004% (9/237420 alleles) in the Genome Aggregation Database. This is a synonymous variant in a weakly conserved nucleotide, but computational analyses (Alamut v.2.11) predict that this variant may impact splicing by creating or strengthening a novel cryptic donor splice site upstream of the canonical donor site. However, given the lack of clinical and functional data, the significance of the p.Ala389Ala variant is uncertain at this time.

Color Diagnostics, LLC DBA Color Health
Classification: Likely benign for Hereditary cancer-predisposing syndrome. Last evaluated: 2016-11-04. Review status: criteria provided, single submitter. Criteria: ACMG Guidelines, 2015. Collection method: clinical testing. Allele origin: germline.

GeneDx
Classification: Uncertain significance. Last evaluated: 2016-05-16. Review status: criteria provided, single submitter. Criteria: GeneDx Variant Classification (06012015). Collection method: clinical testing. Allele origin: germline. Affected: yes.
Comment: This variant is denoted STK11 c.1167C>G at the DNA level. Although this variant is silent at the coding level, preserving an Alanine at codon 389, it is predicted to cause the gain of a cryptic splice donor site 150bp upstream of the natural splice donor site for intron 9. However, in the absence of RNA or functional studies, the actual effect of this variant is unknown. This variant has not, to our knowledge, been published in the literature as pathogenic or benign. STK11 c.1167C>G was not observed in approximately 6,100 individuals of European and African American ancestry in the NHLBI Exome Sequencing Project, suggesting it is not a common benign variant in these populations. The nucleotide which is altered, a cytosine (C) at base 1167, is not conserved. Based on currently available evidence, it is unclear whether STK11 c.1167C>G is a pathogenic or benign variant. We consider it to be a variant of uncertain significance.

Ambry Genetics
Classification: Likely benign for Hereditary cancer-predisposing syndrome. Last evaluated: 2014-10-13. Review status: criteria provided, single submitter. Criteria: Ambry Variant Classification Scheme 2023. Collection method: clinical testing. Allele origin: germline.

NM_000455.5(STK11):c.1167C>G (p.Ala389=)

Gene: STK11 (serine/threonine kinase 11; plus strand). Cytogenetic location: 19p13.3.
Variant type: single nucleotide variant.
Coding change: c.1167C>G on transcript NM_000455.5 (MANE Select); coding-DNA position 1167, C replaced by G.
Protein change: p.Ala389=; no amino-acid change (alanine 389 retained).
Molecular consequence: synonymous variant.
Genome position (GRCh38, 1-based): chr19:1,226,512, C>G. VCF-style: chr19-1226512-C-G. GRCh37 (hg19) VCF-style: chr19-1226511-C-G.
Identifiers: ClinVar variation 185703 (VCV000185703.30), dbSNP rs547919101, ClinGen allele CA022388.